The following is an entry in ClinVar:

ClinVar aggregate classification (germline): Uncertain significance (1 of 4 stars; one submission).

Submission:

GeneDx
Classification: Uncertain significance. Last evaluated: 2021-06-21. Review status: criteria provided, single submitter. Criteria: GeneDx Variant Classification Process June 2021. Collection method: clinical testing. Allele origin: germline. Affected: yes.
Comment: Has not been previously published as pathogenic or benign to our knowledge; Not observed at significant frequency in large population cohorts (Lek et al., 2016); In silico analysis supports that this missense variant has a deleterious effect on protein structure/function; This variant is associated with the following publications: (PMID: 27535533)

NM_004100.5(EYA4):c.1592A>G (p.Lys531Arg)

Genes: EYA4 (EYA transcriptional coactivator and phosphatase 4; plus strand), TARID (TCF21 antisense RNA inducing promoter demethylation; minus strand). Cytogenetic location: 6q23.2.
Variant type: single nucleotide variant.
Coding change: c.1592A>G on transcript NM_004100.5 (MANE Select); coding-DNA position 1592, A replaced by G.
Protein change: p.Lys531Arg; replaces lysine 531 with arginine.
Molecular consequence: missense variant.
Genome position (GRCh38, 1-based): chr6:133,515,411, A>G. VCF-style: chr6-133515411-A-G. GRCh37 (hg19) VCF-style: chr6-133836549-A-G.
Other names: c.1430A>G, p.Lys477Arg (NM_001301012.2); c.1610A>G, p.Lys537Arg (NM_001301013.2); c.1523A>G, p.Lys508Arg (NM_001370458.1, NM_172103.4); c.1448A>G, p.Lys483Arg (NM_001370459.1); c.1592A>G, p.Lys531Arg (NM_172105.4); short protein forms K477R, K483R, K508R, K531R, K537R.
Identifiers: ClinVar variation 1329693 (VCV001329693.2), dbSNP rs892324840, ClinGen allele CA365695562.